The following is an entry in ClinVar:

ClinVar aggregate classification (germline): Uncertain significance. Review status: criteria provided, multiple submitters, no conflicts (2 of 4 stars). 3 submissions from 3 submitters: Uncertain significance (3). Last evaluated 2024-09-14.

Conditions:
Cardiovascular phenotype. Identifiers: MedGen CN230736.
KCNH2-related disorder. Also called: KCNH2-related disorders; KCNH2-related condition.
Long QT syndrome (LQTS). Identifiers: MedGen C0023976, MeSH D008133, MONDO:0002442. Disease mechanism: loss of function. Inheritance: Various modes of inheritance.

Allele frequency attached by ClinVar (database versions not stated): gnomAD exomes below 0.00001; TOPMed below 0.00001; gnomAD 0.00001.
gnomAD v4.1: 2 of 1,375,092 alleles (0.00015%); highest among the groups gnomAD compares: African/African-American, 0.003%; no homozygotes.

Submissions (3):

Labcorp Genetics (formerly Invitae), Labcorp
Classification: Uncertain significance for Long QT syndrome. Last evaluated: 2024-09-14. Review status: criteria provided, single submitter. Criteria: Invitae Variant Classification Sherloc (09022015). Collection method: clinical testing. Allele origin: germline.
Comment: This sequence change replaces proline, which is neutral and non-polar, with leucine, which is neutral and non-polar, at codon 251 of the KCNH2 protein (p.Pro251Leu). This variant is not present in population databases (gnomAD no frequency). This variant has not been reported in the literature in individuals affected with KCNH2-related conditions. ClinVar contains an entry for this variant (Variation ID: 1442675). An algorithm developed to predict the effect of missense changes on protein structure and function (PolyPhen-2) suggests that this variant is likely to be tolerated. In summary, the available evidence is currently insufficient to determine the role of this variant in disease. Therefore, it has been classified as a Variant of Uncertain Significance.

PreventionGenetics, part of Exact Sciences
Classification: Uncertain significance for KCNH2-related condition. Last evaluated: 2023-09-18. Review status: criteria provided, single submitter. Criteria: ACMG Guidelines, 2015. Collection method: clinical testing. Allele origin: germline.
Comment: The KCNH2 c.752C>T variant is predicted to result in the amino acid substitution p.Pro251Leu. To our knowledge, this variant has not been reported in the literature or in a large population database, indicating this variant is rare. However, another missense substitution has been reported in a patient with long QT syndrome (p.Pro251Ser, Napolitano et al. 2005. PubMed ID: 16414944). At this time, the clinical significance of this variant is uncertain due to the absence of conclusive functional and genetic evidence.

Ambry Genetics
Classification: Uncertain significance for Cardiovascular phenotype. Last evaluated: 2021-02-23. Review status: criteria provided, single submitter. Criteria: Ambry Variant Classification Scheme 2023. Collection method: clinical testing. Allele origin: germline.
Comment: The p.P251L variant (also known as c.752C>T), located in coding exon 4 of the KCNH2 gene, results from a C to T substitution at nucleotide position 752. The proline at codon 251 is replaced by leucine, an amino acid with similar properties. This amino acid position is highly conserved in available vertebrate species. In addition, the in silico prediction for this alteration is inconclusive. Since supporting evidence is limited at this time, the clinical significance of this alteration remains unclear.

NM_000238.4(KCNH2):c.752C>T (p.Pro251Leu)

Gene: KCNH2 (potassium voltage-gated channel subfamily H member 2; minus strand). Cytogenetic location: 7q36.1.
Variant type: single nucleotide variant.
Coding change: c.752C>T on transcript NM_000238.4 (MANE Select); coding-DNA position 752, C replaced by T.
Protein change: p.Pro251Leu; replaces proline 251 with leucine.
Molecular consequence: missense variant.
Genome position (GRCh38, 1-based): chr7:150,958,223, G>A on the plus strand (C>T on the coding strand, the complement: KCNH2 is on the minus strand). VCF-style: chr7-150958223-G-A. GRCh37 (hg19) VCF-style: chr7-150655311-G-A.
Other names: c.464C>T, p.Pro155Leu (NM_001406753.1, NM_001406756.1); c.575C>T, p.Pro192Leu (NM_001406755.1); c.452C>T, p.Pro151Leu (NM_001406757.1); c.752C>T, p.Pro251Leu (NM_172056.3); short protein forms P251L, P192L, P151L, P155L.
Identifiers: ClinVar variation 1442675 (VCV001442675.11), dbSNP rs1801446130, ClinGen allele CA369862628.
Genomic context (GRCh38, chr7:150,958,223, plus strand): 5'-CGCGTCCGGGCCAGGCTGCAGCTGGAGCCCGAGGCGTCGGGGTTGAGGCTGTGCGCCCGG[G>A]GCGATGGGAGCTGGCCGGGCGCGCTGCGGGGCGGAGAGCCGGGACCCACCAGCGCACGCC-3'
Protein context (NP_000229.1, residues 241-261): PRSAPGQLPS[Pro251Leu]RAHSLNPDAS